The following is an entry in ClinVar:

NM_177438.3(DICER1):c.1376+1G>T

Gene: DICER1 (dicer 1, ribonuclease III; minus strand). Cytogenetic location: 14q32.13.
Variant type: single nucleotide variant.
Coding change: c.1376+1G>T on transcript NM_177438.3 (MANE Select); the canonical splice donor site of the intron after coding-DNA position 1376, G replaced by T.
Molecular consequence: splice donor variant. On other transcripts: missense variant (1).
Genome position (GRCh38, 1-based): chr14:95,124,195, C>A on the plus strand (G>T on the coding strand, the complement: DICER1 is on the minus strand). VCF-style: chr14-95124195-C-A. GRCh37 (hg19) VCF-style: chr14-95590532-C-A.
Other names: 5' splice site, intron 8; c.1376+1G>T (NM_001395684.1, NM_001395683.1, NM_001395679.1 and 13 more transcripts); c.971+1G>T (NM_001395688.1, NM_001395696.1, NM_001395698.1 and 3 more transcripts); c.-193+1G>T (NM_001395697.1); c.1377G>T, p.Arg459Ser (NM_001395700.1); c.1094+1G>T (NM_001395686.1); c.809+1G>T (NM_001395691.1); short protein forms R459S.
Identifiers: ClinVar variation 254286 (VCV000254286.4), dbSNP rs886037670, ClinGen allele CA10586459.

ClinVar aggregate classification (germline): Pathogenic. Review status: criteria provided, multiple submitters, no conflicts (2 of 4 stars). 2 submissions from 2 submitters: Pathogenic (2). Last evaluated 2019-07-01.

Conditions:
DICER1-related tumor predisposition. Also called: DICER1 syndrome; DICER1-related pleuropulmonary blastoma cancer predisposition syndrome. Identifiers: Orphanet 284343, MedGen C3839822, MONDO:0100216.

Submissions (2):

Foulkes Cancer Genetics LDI, Lady Davis Institute for Medical Research
Classification: Pathogenic for Pleuropulmonary blastoma. Last evaluated: 2019-07-01. Review status: criteria provided, single submitter. Criteria: ACMG Guidelines, 2015. Collection method: curation. Allele origin: germline. Affected: yes. Observed: 4 variant alleles.
Comment: ACMG criteria met: PVS1, PM2, PM7, PP4

International Pleuropulmonary Blastoma Registry, Children's Hospitals and Clinics of Minnesota
Classification: Pathogenic for Pleuropulmonary blastoma. Last evaluated: 2014-11-10. Review status: criteria provided, single submitter. Criteria: Hill et al. (Science. 2009). Collection method: clinical testing. Allele origin: germline. Affected: yes. Study: PPB-DICER1 Genetic study.

Literature cited by the submitters: PubMed 21501861 (cited by Foulkes Cancer Genetics LDI, Lady Davis Institute for Medical Research); PubMed 24909177 (cited by Foulkes Cancer Genetics LDI, Lady Davis Institute for Medical Research); PubMed 25118636 (cited by Foulkes Cancer Genetics LDI, Lady Davis Institute for Medical Research); PubMed 26925222 (cited by Foulkes Cancer Genetics LDI, Lady Davis Institute for Medical Research and International Pleuropulmonary Blastoma Registry, Children's Hospitals and Clinics of Minnesota).